The following is an entry in ClinVar:

ClinVar aggregate classification (germline): Conflicting classifications of pathogenicity. Review status: criteria provided, conflicting classifications (1 of 4 stars). 2 submissions from 2 submitters: Uncertain significance (1); Likely benign (1). Last evaluated 2026-03-10.

Allele frequency attached by ClinVar (database versions not stated): gnomAD 0.00001; gnomAD exomes 0.00002; ExAC 0.00003; TOPMed 0.00004; ESP Exome Variant Server 0.00015.

Submissions (2):

GeneDx
Classification: Uncertain significance. Last evaluated: 2026-03-10. Review status: criteria provided, single submitter. Criteria: GeneDx Variant Classification Process June 2021. Collection method: clinical testing. Allele origin: germline.
Comment: Not observed at significant frequency in large population cohorts (gnomAD); In silico analysis indicates that this missense variant does not alter protein structure/function; Has not been previously published as pathogenic or benign to our knowledge

Labcorp Genetics (formerly Invitae), Labcorp
Classification: Likely benign. Last evaluated: 2025-08-24. Review status: criteria provided, single submitter. Criteria: Invitae Variant Classification Sherloc (09022015). Collection method: clinical testing. Allele origin: germline.

NM_001287.6(CLCN7):c.730G>A (p.Val244Met)

Gene: CLCN7 (Cl-/H+ antiporter 7; minus strand). Cytogenetic location: 16p13.3.
Variant type: single nucleotide variant.
Coding change: c.730G>A on transcript NM_001287.6 (MANE Select); coding-DNA position 730, G replaced by A.
Protein change: p.Val244Met; replaces valine 244 with methionine.
Molecular consequence: missense variant.
Genome position (GRCh38, 1-based): chr16:1,457,702, C>T on the plus strand (G>A on the coding strand, the complement: CLCN7 is on the minus strand). VCF-style: chr16-1457702-C-T. GRCh37 (hg19) VCF-style: chr16-1507703-C-T.
Other names: c.730G>A (NM_001287.5); c.658G>A, p.Val220Met (NM_001114331.3); short protein forms V244M, V220M.
Identifiers: ClinVar variation 1449238 (VCV001449238.8), dbSNP rs373322071, ClinGen allele CA7810624.